The following is an entry in ClinVar:

NM_006939.4(SOS2):c.653A>T (p.Asn218Ile)

Gene: SOS2 (SOS Ras/Rho guanine nucleotide exchange factor 2; minus strand). Cytogenetic location: 14q21.3.
Variant type: single nucleotide variant.
Coding change: c.653A>T on transcript NM_006939.4 (MANE Select); coding-DNA position 653, A replaced by T.
Protein change: p.Asn218Ile; replaces asparagine 218 with isoleucine.
Molecular consequence: missense variant.
Genome position (GRCh38, 1-based): chr14:50,188,558, T>A on the plus strand (A>T on the coding strand, the complement: SOS2 is on the minus strand). VCF-style: chr14-50188558-T-A. GRCh37 (hg19) VCF-style: chr14-50655276-T-A.
Other names: c.653A>T, p.Asn218Ile (NM_001411020.1); short protein forms N218I.
Identifiers: ClinVar variation 4996836 (VCV004996836.1).

ClinVar aggregate classification (germline): Uncertain significance (1 of 4 stars; one submission).

Conditions:
SOS2-related disorder. Also called: SOS2-related condition.

Submission:

PreventionGenetics, part of Exact Sciences
Classification: Uncertain significance for SOS2-related condition. Last evaluated: 2025-03-27. Review status: criteria provided, single submitter. Criteria: ACMG Guidelines, 2015. Collection method: clinical testing. Allele origin: germline.
Comment: The SOS2 c.653A>T variant is predicted to result in the amino acid substitution p.Asn218Ile. To our knowledge, this variant has not been reported in the literature or in a large population database (gnomAD), indicating this variant is rare. At this time, the clinical significance of this variant is uncertain due to the absence of conclusive functional and genetic evidence.